The following is an entry in ClinVar:

NM_001963.6(EGF):c.3586G>A (p.Ala1196Thr)

Gene: EGF (epidermal growth factor; plus strand). Cytogenetic location: 4q25.
Variant type: single nucleotide variant.
Coding change: c.3586G>A on transcript NM_001963.6 (MANE Select); coding-DNA position 3586, G replaced by A.
Protein change: p.Ala1196Thr; replaces alanine 1196 with threonine.
Molecular consequence: missense variant. On other transcripts: 3 prime UTR variant (1).
Genome position (GRCh38, 1-based): chr4:110,011,417, G>A. VCF-style: chr4-110011417-G-A. GRCh37 (hg19) VCF-style: chr4-110932573-G-A.
Other names: c.3460G>A, p.Ala1154Thr (NM_001178131.3); c.*105G>A (NM_001357021.2); c.3463G>A, p.Ala1155Thr (NM_001178130.3); short protein forms A1154T, A1155T, A1196T.
Identifiers: ClinVar variation 1049773 (VCV001049773.1), dbSNP rs2126206950, ClinGen allele CA357876004.
Genomic context (GRCh38, chr4:110,011,417, plus strand): 5'-GAAGGGGGTGTCGAGAAGCCCCATTCTCTCCTATCAGCTAACCCATTATGGCAACAAAGG[G>A]CCCTGGACCCACCACACCAAATGGAGCTGACTCAGTGAAAACTGGAATTAAAAGGAAAGT-3'
Protein context (NP_001954.2, residues 1186-1206): LSANPLWQQR[Ala1196Thr]LDPPHQMELT

ClinVar aggregate classification (germline): Uncertain significance (0 of 4 stars; one submission).

Allele frequency attached by ClinVar (database versions not stated): gnomAD exomes 0.00002.
gnomAD v4.1: 24 of 1,614,156 alleles (0.0015%); highest among the groups gnomAD compares: Non-Finnish European, 0.002%; no homozygotes.

Submission:

Department of Pathology and Laboratory Medicine, Sinai Health System
Classification: Uncertain significance. Review status: no assertion criteria provided. Collection method: clinical testing. Allele origin: unknown. Affected: yes. Study: The Canadian Open Genetics Repository (COGR).
Comment: The EGF p.Ala1155Thr variant was not identified in the literature nor was it identified in dbSNP, ClinVar, Cosmic, LOVD 3.0 or in the following control databases: the 1000 Genomes Project, the NHLBI GO Exome Sequencing Project, the Exome Aggregation Consortium (August 8th 2016), or the Genome Aggregation Database (Feb 27, 2017). The p.Ala1155 residue is conserved in in mammals but not in more distantly related organisms however computational analyses (PolyPhen-2, SIFT, AlignGVGD, BLOSUM, MutationTaster) do not suggest a high likelihood of impact to the protein; this information is not predictive enough to rule out pathogenicity. The variant occurs outside of the splicing consensus sequence and in silico or computational prediction software programs (SpliceSiteFinder, MaxEntScan, NNSPLICE, GeneSplicer) do not predict a difference in splicing. In summary, based on the above information the clinical significance of this variant cannot be determined with certainty at this time. This variant is classified as a variant of uncertain significance.